The following is an entry in ClinVar:

NM_000088.4(COL1A1):c.3424-10C>T

Gene: COL1A1 (collagen type I alpha 1 chain; minus strand). Cytogenetic location: 17q21.33.
Variant type: single nucleotide variant.
Coding change: c.3424-10C>T on transcript NM_000088.4 (MANE Select); 10 bases into the intron before coding-DNA position 3424, C replaced by T.
Molecular consequence: intron variant.
Genome position (GRCh38, 1-based): chr17:50,187,132, G>A on the plus strand (C>T on the coding strand, the complement: COL1A1 is on the minus strand). VCF-style: chr17-50187132-G-A. GRCh37 (hg19) VCF-style: chr17-48264493-G-A.
Identifiers: ClinVar variation 513768 (VCV000513768.1), dbSNP rs1555571948, ClinGen allele CA658798888.

ClinVar aggregate classification (germline): Likely benign (1 of 4 stars; one submission).

Submission:

GeneDx
Classification: Likely benign. Last evaluated: 2017-12-06. Review status: criteria provided, single submitter. Criteria: GeneDx Variant Classification (06012015). Collection method: clinical testing. Allele origin: germline. Affected: yes.
Comment: This variant is considered likely benign or benign based on one or more of the following criteria: it is a conservative change, it occurs at a poorly conserved position in the protein, it is predicted to be benign by multiple in silico algorithms, and/or has population frequency not consistent with disease.